The following is an entry in ClinVar:

ClinVar aggregate classification (germline): Uncertain significance (1 of 4 stars; one submission).

Conditions:
Neuromuscular disease and ocular or auditory anomalies with or without seizures. Also called: NEUROMUSCULAR OCULOAUDITORY SYNDROME. Identifiers: MedGen C5231483, MONDO:0032890, OMIM 618733.

Submission:

Juno Genomics, Hangzhou Juno Genomics, Inc
Classification: Uncertain significance for Neuromuscular disease and ocular or auditory anomalies with or without seizures. Review status: criteria provided, single submitter. Criteria: ACMG Guidelines, 2015. Collection method: clinical testing. Allele origin: germline.
Comment: Absent from controls (or at extremely low frequency if recessive) in Genome Aggregation Database.;Missense variant in a gene that has a low rate of benign missense variation.

NM_003587.5(DHX16):c.2090A>G (p.Gln697Arg)

Gene: DHX16 (DEAH-box helicase 16; minus strand). Cytogenetic location: 6p21.33.
Variant type: single nucleotide variant.
Coding change: c.2090A>G on transcript NM_003587.5 (MANE Select); coding-DNA position 2090, A replaced by G.
Protein change: p.Gln697Arg; replaces glutamine 697 with arginine.
Molecular consequence: missense variant.
Genome position (GRCh38, 1-based): chr6:30,657,010, T>C on the plus strand (A>G on the coding strand, the complement: DHX16 is on the minus strand). VCF-style: chr6-30657010-T-C. GRCh37 (hg19) VCF-style: chr6-30624787-T-C.
Other names: c.1910A>G, p.Gln637Arg (NM_001164239.2); c.647A>G, p.Gln216Arg (NM_001363515.2); short protein forms Q637R, Q216R, Q697R.
Identifiers: ClinVar variation 5007006 (VCV005007006.2).